The following is an entry in ClinVar:

ClinVar aggregate classification (germline): Uncertain significance (1 of 4 stars; one submission).

Conditions:
Autosomal dominant limb-girdle muscular dystrophy type 1F (LGMDD2). Also called: Limb-girdle muscular dystrophy, type 1F; MUSCULAR DYSTROPHY, LIMB-GIRDLE, AUTOSOMAL DOMINANT 2. Identifiers: Orphanet 55595, MedGen C1842062, MONDO:0012034, OMIM 608423.

Submission:

Labcorp Genetics (formerly Invitae), Labcorp
Classification: Uncertain significance for Autosomal dominant limb-girdle muscular dystrophy type 1F. Last evaluated: 2025-10-02. Review status: criteria provided, single submitter. Criteria: Invitae Variant Classification Sherloc (09022015). Collection method: clinical testing. Allele origin: germline.
Comment: This sequence change replaces isoleucine, which is neutral and non-polar, with valine, which is neutral and non-polar, at codon 544 of the TNPO3 protein (p.Ile544Val). This variant is not present in population databases (gnomAD no frequency). This variant has not been reported in the literature in individuals affected with TNPO3-related conditions. Invitae Evidence Modeling of protein sequence and biophysical properties (such as structural, functional, and spatial information, amino acid conservation, physicochemical variation, residue mobility, and thermodynamic stability) indicates that this missense variant is not expected to disrupt TNPO3 protein function with a negative predictive value of 80%. In summary, the available evidence is currently insufficient to determine the role of this variant in disease. Therefore, it has been classified as a Variant of Uncertain Significance.

NM_012470.4(TNPO3):c.1630A>G (p.Ile544Val)

Gene: TNPO3 (transportin 3; minus strand). Cytogenetic location: 7q32.1.
Variant type: single nucleotide variant.
Coding change: c.1630A>G on transcript NM_012470.4 (MANE Select); coding-DNA position 1630, A replaced by G.
Protein change: p.Ile544Val; replaces isoleucine 544 with valine.
Molecular consequence: missense variant. On other transcripts: non-coding transcript variant (18), intron variant (2).
Genome position (GRCh38, 1-based): chr7:128,986,789, T>C on the plus strand (A>G on the coding strand, the complement: TNPO3 is on the minus strand). VCF-style: chr7-128986789-T-C. GRCh37 (hg19) VCF-style: chr7-128626843-T-C.
Other names: c.1732A>G, p.Ile578Val (NM_001382216.1); c.1711A>G, p.Ile571Val (NM_001382217.1); c.1630A>G, p.Ile544Val (NM_001382218.1, NM_001382220.1); c.1522A>G, p.Ile508Val (NM_001382219.1); c.1486A>G, p.Ile496Val (NM_001382221.1); c.1483A>G, p.Ile495Val (NM_001382222.1); c.1499-2530A>G (NM_001382223.1, NM_001191028.3); short protein forms I571V, I578V, I495V, I496V, I508V, I544V.
Identifiers: ClinVar variation 4776490 (VCV004776490.1).